The following is an entry in ClinVar:

NM_022436.3(ABCG5):c.1620G>A (p.Ala540=)

Genes: ABCG5 (ATP binding cassette subfamily G member 5; minus strand), DYNC2LI1 (dynein cytoplasmic 2 light intermediate chain 1; plus strand). Cytogenetic location: 2p21.
Variant type: single nucleotide variant.
Coding change: c.1620G>A on transcript NM_022436.3 (MANE Select); coding-DNA position 1620, G replaced by A.
Protein change: p.Ala540=; no amino-acid change (alanine 540 retained).
Molecular consequence: synonymous variant. On other transcripts: intron variant (2).
Genome position (GRCh38, 1-based): chr2:43,819,944, C>T on the plus strand (G>A on the coding strand, the complement: ABCG5 is on the minus strand). VCF-style: chr2-43819944-C-T. GRCh37 (hg19) VCF-style: chr2-44047083-C-T.
Other names: c.*16-7442C>T (NM_001348913.2, NM_001348912.2).
Identifiers: ClinVar variation 950594 (VCV000950594.13), dbSNP rs145527220, ClinGen allele CA1636219.

ClinVar aggregate classification (germline): Likely benign. Review status: criteria provided, multiple submitters, no conflicts (2 of 4 stars). 3 submissions from 3 submitters: Likely benign (3). Last evaluated 2025-10-29.

Conditions:
ABCG5-related disorder. Also called: ABCG5-related condition.
Cardiovascular phenotype. Identifiers: MedGen CN230736.
Sitosterolemia (STSL). Also called: PHYTOSTEROLEMIA. Identifiers: Orphanet 2882, MedGen C0342907, MONDO:0008863.

Allele frequency attached by ClinVar (database versions not stated): ESP Exome Variant Server 0.00015; TOPMed 0.00010.
gnomAD v4.1: 48 of 1,613,994 alleles (0.003%); highest among the groups gnomAD compares: East Asian, 0.0067%; no homozygotes.

Submissions (3):

Labcorp Genetics (formerly Invitae), Labcorp
Classification: Likely benign for Sitosterolemia. Last evaluated: 2025-10-29. Review status: criteria provided, single submitter. Criteria: Invitae Variant Classification Sherloc (09022015). Collection method: clinical testing. Allele origin: germline.

PreventionGenetics, part of Exact Sciences
Classification: Likely benign for ABCG5-related condition. Last evaluated: 2025-08-29. Review status: criteria provided, single submitter. Criteria: ACMG Guidelines, 2015. Collection method: clinical testing. Allele origin: germline.
Comment: This variant is classified as likely benign based on ACMG/AMP sequence variant interpretation guidelines (Richards et al. 2015 PMID: 25741868, with internal and published modifications).

Ambry Genetics
Classification: Likely benign for Cardiovascular phenotype. Last evaluated: 2022-11-21. Review status: criteria provided, single submitter. Criteria: Ambry Variant Classification Scheme 2023. Collection method: clinical testing. Allele origin: germline.